The following is an entry in ClinVar:

ClinVar aggregate classification (germline): Uncertain significance. Review status: criteria provided, multiple submitters, no conflicts (2 of 4 stars). 2 submissions from 2 submitters: Uncertain significance (2). Last evaluated 2025-04-11.

Conditions:
Inborn genetic diseases. Identifiers: MedGen C0950123, MeSH D030342.

Allele frequency attached by ClinVar (database versions not stated): TOPMed 0.00001.

Submissions (2):

Labcorp Genetics (formerly Invitae), Labcorp
Classification: Uncertain significance. Last evaluated: 2025-04-11. Review status: criteria provided, single submitter. Criteria: Invitae Variant Classification Sherloc (09022015). Collection method: clinical testing. Allele origin: germline.
Comment: This sequence change replaces glycine, which is neutral and non-polar, with aspartic acid, which is acidic and polar, at codon 2249 of the FLNB protein (p.Gly2249Asp). This variant is present in population databases (no rsID available, gnomAD 0.0008%). This variant has not been reported in the literature in individuals affected with FLNB-related conditions. ClinVar contains an entry for this variant (Variation ID: 1919883). Invitae Evidence Modeling of protein sequence and biophysical properties (such as structural, functional, and spatial information, amino acid conservation, physicochemical variation, residue mobility, and thermodynamic stability) indicates that this missense variant is not expected to disrupt FLNB protein function with a negative predictive value of 95%. In summary, the available evidence is currently insufficient to determine the role of this variant in disease. Therefore, it has been classified as a Variant of Uncertain Significance.

Ambry Genetics
Classification: Uncertain significance for Inborn genetic diseases. Last evaluated: 2022-11-18. Review status: criteria provided, single submitter. Criteria: Ambry Variant Classification Scheme 2023. Collection method: clinical testing. Allele origin: germline.

NM_001457.4(FLNB):c.6746G>A (p.Gly2249Asp)

Gene: FLNB (filamin B; plus strand). Cytogenetic location: 3p14.3.
Variant type: single nucleotide variant.
Coding change: c.6746G>A on transcript NM_001457.4 (MANE Select); coding-DNA position 6746, G replaced by A.
Protein change: p.Gly2249Asp; replaces glycine 2249 with aspartic acid.
Molecular consequence: missense variant.
Genome position (GRCh38, 1-based): chr3:58,154,902, G>A. VCF-style: chr3-58154902-G-A. GRCh37 (hg19) VCF-style: chr3-58140629-G-A.
Other names: c.6839G>A, p.Gly2280Asp (NM_001164317.2); c.6713G>A, p.Gly2238Asp (NM_001164318.2); c.6674G>A, p.Gly2225Asp (NM_001164319.2); short protein forms G2249D, G2238D, G2225D, G2280D.
Identifiers: ClinVar variation 1919883 (VCV001919883.6), dbSNP rs1402865642, ClinGen allele CA353360731.